The following is an entry in ClinVar:

NM_000141.5(FGFR2):c.74T>C (p.Phe25Ser)

Gene: FGFR2 (fibroblast growth factor receptor 2; minus strand). Cytogenetic location: 10q26.13.
Variant type: single nucleotide variant.
Coding change: c.74T>C on transcript NM_000141.5 (MANE Select); coding-DNA position 74, T replaced by C.
Protein change: p.Phe25Ser; replaces phenylalanine 25 with serine.
Molecular consequence: missense variant. On other transcripts: non-coding transcript variant (1).
Genome position (GRCh38, 1-based): chr10:121,593,744, A>G on the plus strand (T>C on the coding strand, the complement: FGFR2 is on the minus strand). VCF-style: chr10-121593744-A-G. GRCh37 (hg19) VCF-style: chr10-123353258-A-G.
Other names: c.74T>C, p.Phe25Ser (NM_001144913.1, NM_001144914.1, NM_001144915.2 and 7 more transcripts); short protein forms F25S.
Identifiers: ClinVar variation 3636981 (VCV003636981.2).

ClinVar aggregate classification (germline): Uncertain significance (1 of 4 stars; one submission).

Conditions:
FGFR2-related craniosynostosis. Identifiers: MedGen CN231480.

gnomAD v4.1: 1 of 1,614,172 alleles (0.000062%); highest among the groups gnomAD compares: Non-Finnish European, 0.000085%; no homozygotes.

Submission:

Labcorp Genetics (formerly Invitae), Labcorp
Classification: Uncertain significance for FGFR2-related craniosynostosis. Last evaluated: 2024-10-16. Review status: criteria provided, single submitter. Criteria: Invitae Variant Classification Sherloc (09022015). Collection method: clinical testing. Allele origin: germline.
Comment: This sequence change replaces phenylalanine, which is neutral and non-polar, with serine, which is neutral and polar, at codon 25 of the FGFR2 protein (p.Phe25Ser). This variant is not present in population databases (gnomAD no frequency). This variant has not been reported in the literature in individuals affected with FGFR2-related conditions. Invitae Evidence Modeling of protein sequence and biophysical properties (such as structural, functional, and spatial information, amino acid conservation, physicochemical variation, residue mobility, and thermodynamic stability) has been performed for this missense variant. However, the output from this modeling did not meet the statistical confidence thresholds required to predict the impact of this variant on FGFR2 protein function. In summary, the available evidence is currently insufficient to determine the role of this variant in disease. Therefore, it has been classified as a Variant of Uncertain Significance.